The following is an entry in ClinVar:

ClinVar aggregate classification (germline): Uncertain significance (0 of 4 stars; one submission).

Conditions:
F8-related disorder. Also called: F8-related condition.

Submission:

PreventionGenetics, part of Exact Sciences
Classification: Uncertain significance for F8-related condition. Last evaluated: 2024-05-31. Review status: no assertion criteria provided. Collection method: clinical testing. Allele origin: germline.
Comment: The F8 c.389G>C variant is predicted to result in the amino acid substitution p.Gly130Ala. To our knowledge, this variant has not been reported in the literature. However, different missense variants in the same codon (c.388G>A, p.Gly130Arg; c.388G>C, p.Gly130Arg; c.389G>A, p.Gly130Glu) have been reported in individuals with hemophilia A (Lin et al. 1993. PubMed ID: 8307558; He et al. 2013. PubMed ID: 23111982; Chen et al. 2021. PubMed ID: 33706050) suggesting that substitution of amino acid residue p.Gly130 is not tolerated. This variant is not reported in a large population database, indicating this variant is rare. Although we suspect that this variant may be pathogenic, at this time, the clinical significance of this variant is uncertain due to the absence of conclusive functional and genetic evidence.

NM_000132.4(F8):c.389G>C (p.Gly130Ala)

Gene: F8 (coagulation factor VIII; minus strand). Cytogenetic location: Xq28.
Variant type: single nucleotide variant.
Coding change: c.389G>C on transcript NM_000132.4 (MANE Select); coding-DNA position 389, G replaced by C.
Protein change: p.Gly130Ala; replaces glycine 130 with alanine.
Molecular consequence: missense variant.
Genome position (GRCh38, 1-based): chrX:154,993,148, C>G on the plus strand (G>C on the coding strand, the complement: F8 is on the minus strand). VCF-style: chrX-154993148-C-G. GRCh37 (hg19) VCF-style: chrX-154221423-C-G.
Other names: short protein forms G130A.
Identifiers: ClinVar variation 3347256 (VCV003347256.1).